The following is an entry in ClinVar:

ClinVar aggregate classification (germline): Uncertain significance (1 of 4 stars; one submission).

Conditions:
Charcot-Marie-Tooth disease type 1C. Also called: CHARCOT-MARIE-TOOTH NEUROPATHY, TYPE 1C; NEUROPATHY, HEREDITARY MOTOR AND SENSORY, TYPE IC; CMT, SLOW NERVE CONDUCTION TYPE C; HMSN IC; CHARCOT-MARIE-TOOTH DISEASE, DEMYELINATING, TYPE 1C; Charcot-Marie-Tooth disease, type IC. Identifiers: Orphanet 101083, MedGen C0270913, MONDO:0010995, OMIM 601098.

Submission:

Labcorp Genetics (formerly Invitae), Labcorp
Classification: Uncertain significance for Charcot-Marie-Tooth disease type 1C. Last evaluated: 2021-12-11. Review status: criteria provided, single submitter. Criteria: Invitae Variant Classification Sherloc (09022015). Collection method: clinical testing. Allele origin: germline.
Comment: In summary, the available evidence is currently insufficient to determine the role of this variant in disease. Therefore, it has been classified as a Variant of Uncertain Significance. Experimental studies and prediction algorithms are not available or were not evaluated, and the functional significance of this variant is currently unknown. This variant has not been reported in the literature in individuals affected with LITAF-related conditions. This variant is a gross deletion of the genomic region encompassing exon(s) 3 of the LITAF gene. While this deletion is not anticipated to lead to nonsense mediated decay, it is expected to disrupt the C-terminus of the protein.

NC_000016.9:g.(?_11647369)_(11647565_?)dup

Gene: LITAF (lipopolysaccharide induced TNF factor; minus strand). Cytogenetic location: 16p13.13.
Variant type: Duplication.
Identifiers: ClinVar variation 2425236 (VCV002425236.4).